The following is an entry in ClinVar:

ClinVar aggregate classification (germline): Uncertain significance. Review status: criteria provided, multiple submitters, no conflicts (2 of 4 stars). 2 submissions from 2 submitters: Uncertain significance (2). Last evaluated 2025-02-26.

Conditions:
Hereditary cancer-predisposing syndrome. Also called: Tumor predisposition; Hereditary Cancer Syndrome; Hereditary neoplastic syndrome; Neoplastic Syndromes, Hereditary. Identifiers: Orphanet 140162, MedGen C0027672, MeSH D009386, MONDO:0015356.

Allele frequency attached by ClinVar (database versions not stated): gnomAD exomes below 0.00001; TOPMed below 0.00001; ExAC 0.00001.
gnomAD v4.1: 1 of 1,613,962 alleles (0.000062%); highest among the groups gnomAD compares: South Asian, 0.0011%; no homozygotes.

Submissions (3):

Ambry Genetics
Classification: Uncertain significance for Hereditary cancer-predisposing syndrome. Last evaluated: 2025-02-26. Review status: criteria provided, single submitter. Criteria: Ambry Variant Classification Scheme 2023. Collection method: clinical testing. Allele origin: germline.
Comment: The p.I162T variant (also known as c.485T>C), located in coding exon 4 of the FH gene, results from a T to C substitution at nucleotide position 485. The isoleucine at codon 162 is replaced by threonine, an amino acid with similar properties. This amino acid position is highly conserved in available vertebrate species. In addition, this alteration is predicted to be deleterious by in silico analysis. Based on the available evidence, the clinical significance of this variant remains unclear.

Labcorp Genetics (formerly Invitae), Labcorp
Classification: Uncertain significance. Last evaluated: 2024-12-08. Review status: criteria provided, single submitter. Criteria: Invitae Variant Classification Sherloc (09022015). Collection method: clinical testing. Allele origin: germline.
Comment: This sequence change replaces isoleucine, which is neutral and non-polar, with threonine, which is neutral and polar, at codon 162 of the FH protein (p.Ile162Thr). This variant is present in population databases (rs752857980, gnomAD 0.003%). This variant has not been reported in the literature in individuals affected with FH-related conditions. ClinVar contains an entry for this variant (Variation ID: 2289060). Invitae Evidence Modeling of protein sequence and biophysical properties (such as structural, functional, and spatial information, amino acid conservation, physicochemical variation, residue mobility, and thermodynamic stability) indicates that this missense variant is expected to disrupt FH protein function with a positive predictive value of 80%. In summary, the available evidence is currently insufficient to determine the role of this variant in disease. Therefore, it has been classified as a Variant of Uncertain Significance.

Blake Wilde Laboratory, Roswell Park Comprehensive Cancer Center
No classification provided (evidence only). Condition: Hereditary leiomyomatosis and renal cell cancer. Review status: no classification provided. Collection method: in vitro. Allele origin: not applicable. Functional consequence: decreased enzyme activity. Not counted in ClinVar's aggregate classification.

NM_000143.4(FH):c.485T>C (p.Ile162Thr)

Gene: FH (fumarate hydratase; minus strand). Cytogenetic location: 1q43.
Variant type: single nucleotide variant.
Coding change: c.485T>C on transcript NM_000143.4 (MANE Select); coding-DNA position 485, T replaced by C.
Protein change: p.Ile162Thr; replaces isoleucine 162 with threonine.
Molecular consequence: missense variant.
Genome position (GRCh38, 1-based): chr1:241,512,037, A>G on the plus strand (T>C on the coding strand, the complement: FH is on the minus strand). VCF-style: chr1-241512037-A-G. GRCh37 (hg19) VCF-style: chr1-241675337-A-G.
Other names: short protein forms I162T.
Identifiers: ClinVar variation 2289060 (VCV002289060.5), dbSNP rs752857980, ClinGen allele CA1478675.